The following is an entry in ClinVar:

NM_002474.3(MYH11):c.3183G>T (p.Glu1061Asp)

Gene: MYH11 (myosin heavy chain 11; minus strand). Cytogenetic location: 16p13.11.
Variant type: single nucleotide variant.
Coding change: c.3183G>T on transcript NM_002474.3 (MANE Select); coding-DNA position 3183, G replaced by T.
Protein change: p.Glu1061Asp; replaces glutamic acid 1061 with aspartic acid.
Molecular consequence: missense variant.
Genome position (GRCh38, 1-based): chr16:15,737,559, C>A on the plus strand (G>T on the coding strand, the complement: MYH11 is on the minus strand). VCF-style: chr16-15737559-C-A. GRCh37 (hg19) VCF-style: chr16-15831416-C-A.
Other names: c.3204G>T, p.Glu1068Asp (NM_001040113.2, NM_001040114.2); c.3183G>T, p.Glu1061Asp (NM_022844.3); short protein forms E1068D, E1061D.
Identifiers: ClinVar variation 924035 (VCV000924035.3), dbSNP rs2041157260, ClinGen allele CA394863166.

ClinVar aggregate classification (germline): Uncertain significance (1 of 4 stars; one submission).

Conditions:
Familial thoracic aortic aneurysm and aortic dissection (TAAD). Also called: Thoracic aortic aneurysms and dissections. Identifiers: Orphanet 91387, MedGen C4707243, MONDO:0019625.

Submission:

Color Diagnostics, LLC DBA Color Health
Classification: Uncertain significance for Familial thoracic aortic aneurysm and aortic dissection. Last evaluated: 2024-09-12. Review status: criteria provided, single submitter. Criteria: ACMG Guidelines, 2015. Collection method: clinical testing. Allele origin: germline.
Comment: This missense variant replaces glutamic acid with aspartic acid at codon 1068 of the MYH11 protein. Computational prediction suggests that this variant may not impact protein structure and function. To our knowledge, functional studies have not been reported for this variant. This variant has not been reported in individuals affected with MYH11-related disorders in the literature. This variant has not been identified in the general population by the Genome Aggregation Database (gnomAD). The available evidence is insufficient to determine the role of this variant in disease conclusively. Therefore, this variant is classified as a Variant of Uncertain Significance.